The following is an entry in ClinVar:

ClinVar aggregate classification (germline): Benign/Likely benign. Review status: criteria provided, multiple submitters, no conflicts (2 of 4 stars). 2 submissions from 2 submitters: Benign (1); Likely benign (1). Last evaluated 2026-08-18.

Conditions:
Colorectal cancer, susceptibility to, 12 (CRCS12). Also called: COLORECTAL CANCER, SUSCEPTIBILITY TO, ON CHROMOSOME 12q24. Identifiers: Orphanet 220460, MedGen C3554460, MONDO:0014038, OMIM 615083.
Hereditary cancer-predisposing syndrome. Also called: Hereditary Cancer Syndrome; Hereditary neoplastic syndrome; Neoplastic Syndromes, Hereditary; Tumor predisposition. Identifiers: Orphanet 140162, MedGen C0027672, MeSH D009386, MONDO:0015356.

gnomAD v4.1: 1 of 1,614,188 alleles (0.000062%); highest among the groups gnomAD compares: Non-Finnish European, 0.000085%; no homozygotes.

Submissions (2):

Ambry Genetics
Classification: Likely benign for Hereditary cancer-predisposing syndrome. Last evaluated: 2026-08-18. Review status: criteria provided, single submitter. Criteria: Ambry Variant Classification Scheme 2023. Collection method: clinical testing. Allele origin: germline.

Myriad Genetics, Inc.
Classification: Benign for Colorectal cancer, susceptibility to, 12. Last evaluated: 2025-02-10. Review status: criteria provided, single submitter. Criteria: Myriad Autosomal Dominant, Autosomal Recessive and X-Linked Classification Criteria (2023). Collection method: clinical testing. Allele origin: unknown.
Comment: This variant is considered benign. This variant is a silent/synonymous amino acid change and it is not expected to impact splicing.

NM_006231.4(POLE):c.1059G>A (p.Glu353=)

Gene: POLE (DNA polymerase epsilon, catalytic subunit; minus strand). Cytogenetic location: 12q24.33.
Variant type: single nucleotide variant.
Coding change: c.1059G>A on transcript NM_006231.4 (MANE Select); coding-DNA position 1059, G replaced by A.
Protein change: p.Glu353=; no amino-acid change (glutamic acid 353 retained).
Molecular consequence: synonymous variant.
Genome position (GRCh38, 1-based): chr12:132,675,782, C>T on the plus strand (G>A on the coding strand, the complement: POLE is on the minus strand). VCF-style: chr12-132675782-C-T. GRCh37 (hg19) VCF-style: chr12-133252368-C-T.
Other names: c.1059G>A (NM_006231.2).
Identifiers: ClinVar variation 3904140 (VCV003904140.2).